The following is an entry in ClinVar:

ClinVar aggregate classification (germline): Uncertain significance (1 of 4 stars; one submission).

Conditions:
Hereditary cancer-predisposing syndrome. Also called: Hereditary Cancer Syndrome; Hereditary neoplastic syndrome; Neoplastic Syndromes, Hereditary; Tumor predisposition. Identifiers: Orphanet 140162, MedGen C0027672, MeSH D009386, MONDO:0015356.

Submission:

Ambry Genetics
Classification: Uncertain significance for Hereditary cancer-predisposing syndrome. Last evaluated: 2020-02-12. Review status: criteria provided, single submitter. Criteria: Ambry Variant Classification Scheme 2023. Collection method: clinical testing. Allele origin: germline.
Comment: The p.G1510V variant (also known as c.4529G>T), located in coding exon 31 of the SMARCA4 gene, results from a G to T substitution at nucleotide position 4529. The glycine at codon 1510 is replaced by valine, an amino acid with dissimilar properties. This amino acid position is highly conserved in available vertebrate species. In addition, the in silico prediction for this alteration is inconclusive. Since supporting evidence is limited at this time, the clinical significance of this alteration remains unclear.

NM_003072.5(SMARCA4):c.4433G>T (p.Gly1478Val)

Gene: SMARCA4 (SWI/SNF related BAF chromatin remodeling complex subunit ATPase 4; plus strand). Cytogenetic location: 19p13.2.
Variant type: single nucleotide variant.
Coding change: c.4433G>T on transcript NM_003072.5 (MANE Select); coding-DNA position 4433, G replaced by T.
Protein change: p.Gly1478Val; replaces glycine 1478 with valine.
Molecular consequence: missense variant. On other transcripts: non-coding transcript variant (1).
Genome position (GRCh38, 1-based): chr19:11,058,263, G>T. VCF-style: chr19-11058263-G-T. GRCh37 (hg19) VCF-style: chr19-11168939-G-T.
Other names: c.4433G>T, p.Gly1478Val (NM_001128844.3); c.4343G>T, p.Gly1448Val (NM_001128845.2); c.4340G>T, p.Gly1447Val (NM_001128846.2); c.4334G>T, p.Gly1445Val (NM_001128847.4, NM_001374457.1); c.4331G>T, p.Gly1444Val (NM_001128848.2); c.4529G>T, p.Gly1510Val (NM_001128849.3, NM_001387283.1); c.4430G>T, p.Gly1477Val (NM_001411150.1); short protein forms G1445V, G1447V, G1477V, G1444V, G1510V, G1448V, G1478V.
Identifiers: ClinVar variation 1741246 (VCV001741246.2), dbSNP rs2147084825, ClinGen allele CA404077214.
Genomic context (GRCh38, chr19:11,058,263, plus strand): 5'-GGCTCCCGGGTGGGCGGACTCGGGGGTGATAGCCGCCGGTTCTGCCTTGCAGCAGCAGTG[G>T]ACGTCAGCTCAGCGAGGTCTTCATCCAGCTGCCCTCGCGAAAGGAGCTGCCCGAGTACTA-3'
Protein context (NP_003063.2, residues 1468-1488): AVIKYKDSSS[Gly1478Val]RQLSEVFIQL